The following is an entry in ClinVar:

NM_001184.4(ATR):c.863T>C (p.Leu288Ser)

Gene: ATR (ATR checkpoint kinase; minus strand). Cytogenetic location: 3q23.
Variant type: single nucleotide variant.
Coding change: c.863T>C on transcript NM_001184.4 (MANE Select); coding-DNA position 863, T replaced by C.
Protein change: p.Leu288Ser; replaces leucine 288 with serine.
Molecular consequence: missense variant.
Genome position (GRCh38, 1-based): chr3:142,562,539, A>G on the plus strand (T>C on the coding strand, the complement: ATR is on the minus strand). VCF-style: chr3-142562539-A-G. GRCh37 (hg19) VCF-style: chr3-142281381-A-G.
Other names: c.863T>C, p.Leu288Ser (NM_001354579.2); short protein forms L288S.
Identifiers: ClinVar variation 1370205 (VCV001370205.8), dbSNP rs1362625443, ClinGen allele CA354825166.

ClinVar aggregate classification (germline): Uncertain significance (1 of 4 stars; one submission).

Allele frequency attached by ClinVar (database versions not stated): gnomAD exomes below 0.00001; gnomAD 0.00001; TOPMed 0.00001.
gnomAD v4.1: 4 of 1,613,636 alleles (0.00025%); highest among the groups gnomAD compares: Non-Finnish European, 0.00034%; no homozygotes.

Submission:

Labcorp Genetics (formerly Invitae), Labcorp
Classification: Uncertain significance. Last evaluated: 2022-07-19. Review status: criteria provided, single submitter. Criteria: Invitae Variant Classification Sherloc (09022015). Collection method: clinical testing. Allele origin: germline.
Comment: In summary, the available evidence is currently insufficient to determine the role of this variant in disease. Therefore, it has been classified as a Variant of Uncertain Significance. Algorithms developed to predict the effect of missense changes on protein structure and function (SIFT, PolyPhen-2, Align-GVGD) all suggest that this variant is likely to be tolerated. ClinVar contains an entry for this variant (Variation ID: 1370205). This variant has not been reported in the literature in individuals affected with ATR-related conditions. This variant is present in population databases (no rsID available, gnomAD 0.0009%). This sequence change replaces leucine, which is neutral and non-polar, with serine, which is neutral and polar, at codon 288 of the ATR protein (p.Leu288Ser).